The following is an entry in ClinVar:

ClinVar aggregate classification (germline): Uncertain significance (1 of 4 stars; one submission).

gnomAD v4.1: 10 of 1,614,208 alleles (0.00062%); highest among the groups gnomAD compares: Non-Finnish European, 0.00085%; no homozygotes.

Submission:

Ambry Genetics
Classification: Uncertain significance. Last evaluated: 2024-04-04. Review status: criteria provided, single submitter. Criteria: Ambry Variant Classification Scheme 2023. Collection method: clinical testing. Allele origin: germline.
Comment: The p.E1523D variant (also known as c.4569G>T), located in coding exon 4 of the ALPK2 gene, results from a G to T substitution at nucleotide position 4569. The glutamic acid at codon 1523 is replaced by aspartic acid, an amino acid with highly similar properties. This amino acid position is conserved. In addition, this alteration is predicted to be tolerated by in silico analysis. Since supporting evidence is limited at this time, the clinical significance of this alteration remains unclear.

NM_052947.4(ALPK2):c.4569G>T (p.Glu1523Asp)

Genes: ALPK2 (alpha kinase 2; minus strand), LOC126862764 (BRD4-independent group 4 enhancer GRCh37_chr18:56202574-56203773; plus strand). Cytogenetic location: 18q21.31.
Variant type: single nucleotide variant.
Coding change: c.4569G>T on transcript NM_052947.4 (MANE Select); coding-DNA position 4569, G replaced by T.
Protein change: p.Glu1523Asp; replaces glutamic acid 1523 with aspartic acid.
Molecular consequence: missense variant.
Genome position (GRCh38, 1-based): chr18:58,535,618, C>A on the plus strand (G>T on the coding strand, the complement: ALPK2 is on the minus strand). VCF-style: chr18-58535618-C-A. GRCh37 (hg19) VCF-style: chr18-56202850-C-A.
Other names: short protein forms E1523D.
Identifiers: ClinVar variation 1741533 (VCV001741533.3), dbSNP rs1263144084, ClinGen allele CA402561337.
Genomic context (GRCh38, chr18:58,535,618, plus strand): 5'-ACTAGAAAGAGGTGAAGTGGGGGAAATCAATTCTGCTTTGTCCTTTTTGCTTTGCTCAGC[C>A]TCCCCTAAGCTCCCATCACTGCTTTCTTGTATTTGGCCTATGCTACATCCACTTGGAATT-3'
Protein context (NP_443179.3, residues 1513-1533): IQESSDGSLG[Glu1523Asp]AEQSKKDKAE